The following is an entry in ClinVar:

NM_016604.4(KDM3B):c.2854G>A (p.Val952Ile)

Gene: KDM3B (lysine demethylase 3B; plus strand). Cytogenetic location: 5q31.2.
Variant type: single nucleotide variant.
Coding change: c.2854G>A on transcript NM_016604.4 (MANE Select); coding-DNA position 2854, G replaced by A.
Protein change: p.Val952Ile; replaces valine 952 with isoleucine.
Molecular consequence: missense variant.
Genome position (GRCh38, 1-based): chr5:138,398,200, G>A. VCF-style: chr5-138398200-G-A. GRCh37 (hg19) VCF-style: chr5-137733889-G-A.
Other names: short protein forms V952I.
Identifiers: ClinVar variation 3371383 (VCV003371383.1).

ClinVar aggregate classification (germline): Uncertain significance (1 of 4 stars; one submission).

gnomAD v4.1: 1 of 1,613,616 alleles (0.000062%); highest among the groups gnomAD compares: African/African-American, 0.0013%; no homozygotes.

Submission:

GeneDx
Classification: Uncertain significance. Last evaluated: 2024-03-30. Review status: criteria provided, single submitter. Criteria: GeneDx Variant Classification Process June 2021. Collection method: clinical testing. Allele origin: germline. Affected: yes.
Comment: Not observed at significant frequency in large population cohorts (gnomAD); In silico analysis supports that this missense variant does not alter protein structure/function; Has not been previously published as pathogenic or benign to our knowledge